The following is an entry in ClinVar:

NM_000179.3(MSH6):c.3005G>A (p.Gly1002Asp)

Gene: MSH6 (mutS homolog 6; plus strand). Cytogenetic location: 2p16.3.
Variant type: single nucleotide variant.
Coding change: c.3005G>A on transcript NM_000179.3 (MANE Select); coding-DNA position 3005, G replaced by A.
Protein change: p.Gly1002Asp; replaces glycine 1002 with aspartic acid.
Molecular consequence: missense variant.
Genome position (GRCh38, 1-based): chr2:47,800,988, G>A. VCF-style: chr2-47800988-G-A. GRCh37 (hg19) VCF-style: chr2-48028127-G-A.
Other names: c.2615G>A, p.Gly872Asp (NM_001281492.2); c.2099G>A, p.Gly700Asp (NM_001281493.2, NM_001281494.2); short protein forms G1002D, G700D, G872D.
Identifiers: ClinVar variation 419729 (VCV000419729.9), dbSNP rs1064794070, ClinGen allele CA16617690.

ClinVar aggregate classification (germline): Uncertain significance. Review status: criteria provided, multiple submitters, no conflicts (2 of 4 stars). 5 submissions from 5 submitters: Uncertain significance (5). Last evaluated 2025-11-17.

Conditions:
Hereditary nonpolyposis colorectal neoplasms. Identifiers: MedGen C0009405, MeSH D003123.
Hereditary cancer-predisposing syndrome. Also called: Hereditary Cancer Syndrome; Tumor predisposition; Hereditary neoplastic syndrome; Neoplastic Syndromes, Hereditary. Identifiers: Orphanet 140162, MedGen C0027672, MeSH D009386, MONDO:0015356.

Allele frequency attached by ClinVar (database versions not stated): gnomAD exomes below 0.00001.
gnomAD v4.1: 1 of 1,562,240 alleles (0.000064%); highest among the groups gnomAD compares: Non-Finnish European, 0.000086%; no homozygotes.

Submissions (5):

Dasa
Classification: Uncertain significance. Last evaluated: 2025-11-17. Review status: criteria provided, single submitter. Criteria: DASA Assertion Criteria. Collection method: clinical testing. Allele origin: germline.
Comment: NM_000179.3(MSH6):c.3005G>A (p.Gly1002Asp) is a missense variant that results in the substitution of glycine with aspartic acid. This variant is rare in population databases. Computational prediction algorithms are consistent with a deleterious effect. The currently available literature and clinical evidence are not sufficient to establish a definitive association between this variant and the reported condition. Therefore, this variant is classified as a variant of uncertain significance.

Color Diagnostics, LLC DBA Color Health
Classification: Uncertain significance for Hereditary cancer-predisposing syndrome. Last evaluated: 2025-07-15. Review status: criteria provided, single submitter. Criteria: ACMG Guidelines, 2015. Collection method: clinical testing. Allele origin: germline.
Comment: This missense variant replaces glycine with aspartic acid at codon 1002 of the MSH6 protein. Computational prediction suggests that this variant may have deleterious impact on protein structure and function. To our knowledge, functional studies have not been reported for this variant. This variant has not been reported in individuals affected with MSH6-related disorders in the literature. This variant has not been identified in the general population by the Genome Aggregation Database (gnomAD). The available evidence is insufficient to determine the role of this variant in disease conclusively. Therefore, this variant is classified as a Variant of Uncertain Significance.

Labcorp Genetics (formerly Invitae), Labcorp
Classification: Uncertain significance for Hereditary nonpolyposis colorectal neoplasms. Last evaluated: 2025-04-21. Review status: criteria provided, single submitter. Criteria: Invitae Variant Classification Sherloc (09022015). Collection method: clinical testing. Allele origin: germline.
Comment: This sequence change replaces glycine, which is neutral and non-polar, with aspartic acid, which is acidic and polar, at codon 1002 of the MSH6 protein (p.Gly1002Asp). This variant is not present in population databases (gnomAD no frequency). This variant has not been reported in the literature in individuals affected with MSH6-related conditions. ClinVar contains an entry for this variant (Variation ID: 419729). Invitae Evidence Modeling of protein sequence and biophysical properties (such as structural, functional, and spatial information, amino acid conservation, physicochemical variation, residue mobility, and thermodynamic stability) has been performed for this missense variant. However, the output from this modeling did not meet the statistical confidence thresholds required to predict the impact of this variant on MSH6 protein function. In summary, the available evidence is currently insufficient to determine the role of this variant in disease. Therefore, it has been classified as a Variant of Uncertain Significance.

Ambry Genetics
Classification: Uncertain significance for Hereditary cancer-predisposing syndrome. Last evaluated: 2025-03-19. Review status: criteria provided, single submitter. Criteria: Ambry Variant Classification Scheme 2023. Collection method: clinical testing. Allele origin: germline.
Comment: The p.G1002D variant (also known as c.3005G>A), located in coding exon 4 of the MSH6 gene, results from a G to A substitution at nucleotide position 3005. The glycine at codon 1002 is replaced by aspartic acid, an amino acid with similar properties. This amino acid position is conserved. In addition, this alteration is predicted to be deleterious by in silico analysis. Based on the available evidence, the clinical significance of this variant remains unclear.

GeneDx
Classification: Uncertain significance. Last evaluated: 2017-11-16. Review status: criteria provided, single submitter. Criteria: GeneDx Variant Classification (06012015). Collection method: clinical testing. Allele origin: germline. Affected: yes.
Comment: This variant is denoted MSH6 c.3005G>A at the cDNA level, p.Gly1002Asp (G1002D) at the protein level, and results in the change of a Glycine to an Aspartic Acid (GGC>GAC). This variant has not, to our knowledge, been published in the literature as pathogenic or benign. MSH6 Gly1002Asp was not observed in large population cohorts (Lek 2016). Since Glycine and Aspartic Acid differ in polarity, charge, size or other properties, this is considered a non-conservative amino acid substitution. MSH6 Gly1002Asp is located within the Clamp domain (Warren 2007, Kansikas 2011). In-silico analyses, including protein predictors and evolutionary conservation, support a deleterious effect. Based on currently available information, it is unclear whether MSH6 Gly1002Asp is pathogenic or benign. We consider it to be a variant of uncertain significance.